The following is an entry in ClinVar:

NM_001211.6(BUB1B):c.2653C>T (p.Pro885Ser)

Gene: BUB1B (BUB1 mitotic checkpoint serine/threonine kinase B; plus strand). Cytogenetic location: 15q15.1.
Variant type: single nucleotide variant.
Coding change: c.2653C>T on transcript NM_001211.6 (MANE Select); coding-DNA position 2653, C replaced by T.
Protein change: p.Pro885Ser; replaces proline 885 with serine.
Molecular consequence: missense variant.
Genome position (GRCh38, 1-based): chr15:40,213,449, C>T. VCF-style: chr15-40213449-C-T. GRCh37 (hg19) VCF-style: chr15-40505650-C-T.
Other names: short protein forms P885S.
Identifiers: ClinVar variation 1794348 (VCV001794348.3), dbSNP rs2542577146, ClinGen allele CA391686529.

ClinVar aggregate classification (germline): Uncertain significance (1 of 4 stars; one submission).

Conditions:
Inborn genetic diseases. Identifiers: MedGen C0950123, MeSH D030342.

Submission:

Ambry Genetics
Classification: Uncertain significance for Inborn genetic diseases. Last evaluated: 2025-04-20. Review status: criteria provided, single submitter. Criteria: Ambry Variant Classification Scheme 2023. Collection method: clinical testing. Allele origin: germline.
Comment: The p.P885S variant (also known as c.2653C>T), located in coding exon 20 of the BUB1B gene, results from a C to T substitution at nucleotide position 2653. The proline at codon 885 is replaced by serine, an amino acid with similar properties. This amino acid position is conserved. In addition, the in silico prediction for this alteration is inconclusive. Since supporting evidence is limited at this time, the clinical significance of this alteration remains unclear.